The following is an entry in ClinVar:

ClinVar aggregate classification (germline): Pathogenic/Likely pathogenic. Review status: criteria provided, multiple submitters, no conflicts (2 of 4 stars). 2 submissions from 2 submitters: Pathogenic (1); Likely pathogenic (1). Last evaluated 2023-02-01.

Conditions:
Epidermolysis bullosa simplex 5B, with muscular dystrophy (EBS5B). Also called: EPIDERMOLYSIS BULLOSA SIMPLEX AND LIMB-GIRDLE MUSCULAR DYSTROPHY; Epidermolysis bullosa simplex with muscular dystrophy. Identifiers: Orphanet 257, MedGen C2931072, MONDO:0009181, OMIM 226670.
Autosomal recessive limb-girdle muscular dystrophy type 2Q (LGMDR17). Also called: MUSCULAR DYSTROPHY, LIMB-GIRDLE, AUTOSOMAL RECESSIVE 17. Identifiers: Orphanet 254361, MedGen C3150989, MONDO:0013390, OMIM 613723.
Epidermolysis bullosa simplex, Ogna type (EBS5A). Also called: Pidermolysis bullosa simplex 5A, Ogna type; EPIDERMOLYSIS BULLOSA SIMPLEX 5A, OGNA TYPE. Identifiers: Orphanet 79401, MedGen C0432317, MONDO:0007555, OMIM 131950.
Epidermolysis bullosa simplex with nail dystrophy (EBS5D). Identifiers: MedGen C4225309, MONDO:0014661, OMIM 616487.
Epidermolysis bullosa simplex 5C, with pyloric atresia (EBS5C). Also called: Epidermolysis bullosa simplex with pyloric atresia; PLEC1-Related Epidermolysis Bullosa with Pyloric Atresia; PLEC-Related Epidermolysis Bullosa with Pyloric Atresia. Identifiers: Orphanet 158684, MedGen C2677349, MONDO:0012807, OMIM 612138.

Allele frequency attached by ClinVar (database versions not stated): gnomAD exomes below 0.00001.
gnomAD v4.1: 6 of 1,595,988 alleles (0.00038%); highest among the groups gnomAD compares: Non-Finnish European, 0.00042%; no homozygotes.

Submissions (2):

Revvity Omics, Revvity
Classification: Likely pathogenic. Last evaluated: 2023-02-01. Review status: criteria provided, single submitter. Criteria: ACMG Guidelines, 2015. Collection method: clinical testing. Allele origin: germline.

Labcorp Genetics (formerly Invitae), Labcorp
Classification: Pathogenic for Autosomal recessive limb-girdle muscular dystrophy type 2Q; Epidermolysis bullosa simplex, Ogna type; Epidermolysis bullosa simplex with nail dystrophy; Epidermolysis bullosa simplex 5C, with pyloric atresia; Epidermolysis bullosa simplex 5B, with muscular dystrophy. Last evaluated: 2022-06-27. Review status: criteria provided, single submitter. Criteria: Invitae Variant Classification Sherloc (09022015). Collection method: clinical testing. Allele origin: germline.
Comment: For these reasons, this variant has been classified as Pathogenic. ClinVar contains an entry for this variant (Variation ID: 1324937). This premature translational stop signal has been observed in individual(s) with epidermolysis bullosa (PMID: 27813154). The frequency data for this variant in the population databases is considered unreliable, as metrics indicate poor data quality at this position in the gnomAD database. This sequence change creates a premature translational stop signal (p.Arg1517*) in the PLEC gene. It is expected to result in an absent or disrupted protein product. Loss-of-function variants in PLEC are known to be pathogenic (PMID: 20301336, 20447487, 21109228, 23289980, 28824526).

Literature cited by the submitters: PubMed 27813154 (cited by Labcorp Genetics (formerly Invitae), Labcorp); PubMed 20301336 (cited by Labcorp Genetics (formerly Invitae), Labcorp); PubMed 20447487 (cited by Labcorp Genetics (formerly Invitae), Labcorp); PubMed 21109228 (cited by Labcorp Genetics (formerly Invitae), Labcorp); PubMed 23289980 (cited by Labcorp Genetics (formerly Invitae), Labcorp); PubMed 28824526 (cited by Labcorp Genetics (formerly Invitae), Labcorp).

NM_201384.3(PLEC):c.4468C>T (p.Arg1490Ter)

Gene: PLEC (plectin; minus strand). Cytogenetic location: 8q24.3.
Variant type: single nucleotide variant.
Coding change: c.4468C>T on transcript NM_201384.3 (MANE Select); coding-DNA position 4468, C replaced by T.
Protein change: p.Arg1490Ter; replaces arginine 1490 with a stop codon.
Molecular consequence: nonsense.
Genome position (GRCh38, 1-based): chr8:143,925,461, G>A on the plus strand (C>T on the coding strand, the complement: PLEC is on the minus strand). VCF-style: chr8-143925461-G-A. GRCh37 (hg19) VCF-style: chr8-144999629-G-A.
Other names: c.4426C>T, p.Arg1476Ter (NM_201378.4); c.4402C>T, p.Arg1468Ter (NM_201379.3); c.4879C>T, p.Arg1627Ter (NM_201380.4); c.4372C>T, p.Arg1458Ter (NM_201381.3); c.4468C>T, p.Arg1490Ter (NM_201382.4); c.4480C>T, p.Arg1494Ter (NM_201383.3); c.4549C>T, p.Arg1517Ter (NM_000445.5); short protein forms R1458*, R1468*, R1476*, R1490*, R1494*, R1517*, R1627*.
Identifiers: ClinVar variation 1324937 (VCV001324937.9), dbSNP rs1554702689, ClinGen allele CA372556583.